The following is an entry in ClinVar:

ClinVar aggregate classification (germline): Uncertain significance (1 of 4 stars; one submission).

gnomAD v4.1: 2 of 1,549,602 alleles (0.00013%); highest among the groups gnomAD compares: Non-Finnish European, 0.00017%; no homozygotes.

Submission:

GeneDx
Classification: Uncertain significance. Last evaluated: 2024-11-12. Review status: criteria provided, single submitter. Criteria: GeneDx Variant Classification Process June 2021. Collection method: clinical testing. Allele origin: germline. Affected: yes.
Comment: Not observed at significant frequency in large population cohorts (gnomAD); In silico analysis supports that this missense variant has a deleterious effect on protein structure/function; Has not been previously published as pathogenic or benign to our knowledge

NM_001145026.2(PTPRQ):c.2863G>A (p.Val955Ile)

Gene: PTPRQ (protein tyrosine phosphatase receptor type Q; plus strand). Cytogenetic location: 12q21.31.
Variant type: single nucleotide variant.
Coding change: c.2863G>A on transcript NM_001145026.2 (MANE Select); coding-DNA position 2863, G replaced by A.
Protein change: p.Val955Ile; replaces valine 955 with isoleucine.
Molecular consequence: missense variant.
Genome position (GRCh38, 1-based): chr12:80,534,915, G>A. VCF-style: chr12-80534915-G-A. GRCh37 (hg19) VCF-style: chr12-80928694-G-A.
Other names: short protein forms V955I.
Identifiers: ClinVar variation 3898910 (VCV003898910.1).
Genomic context (GRCh38, chr12:80,534,915, plus strand): 5'-ACAAATACAGTAATTTGTTCAATTATTTGTTTTATAGCACCAAGCGATCCTCCCAAAGAT[G>A]TTTATTATGCAAACCTCAGTTCTTCATCAATAATTCTTTTCTGGACACCTCCTTCAAAAC-3'
Protein context (NP_001138498.1, residues 945-965): EGAPSDPPKD[Val955Ile]YYANLSSSSI